The following is an entry in ClinVar:

ClinVar aggregate classification (germline): Uncertain significance (1 of 4 stars; one submission).

Submission:

GeneDx
Classification: Uncertain significance. Last evaluated: 2023-02-16. Review status: criteria provided, single submitter. Criteria: GeneDx Variant Classification Process June 2021. Collection method: clinical testing. Allele origin: germline. Affected: yes.
Comment: Not observed at significant frequency in large population cohorts (gnomAD); Nonsense variant predicted to result in protein truncation as the last 88 amino acids are lost, although loss-of-function variants have not been reported downstream of this position in the protein; Has not been previously published as pathogenic or benign to our knowledge

NM_001162501.2(TNRC6B):c.5237G>A (p.Trp1746Ter)

Gene: TNRC6B (trinucleotide repeat containing adaptor 6B; plus strand). Cytogenetic location: 22q13.1.
Variant type: single nucleotide variant.
Coding change: c.5237G>A on transcript NM_001162501.2 (MANE Select); coding-DNA position 5237, G replaced by A.
Protein change: p.Trp1746Ter; replaces tryptophan 1746 with a stop codon.
Molecular consequence: nonsense.
Genome position (GRCh38, 1-based): chr22:40,322,976, G>A. VCF-style: chr22-40322976-G-A. GRCh37 (hg19) VCF-style: chr22-40718980-G-A.
Other names: c.2825G>A, p.Trp942Ter (NM_001024843.2); c.4907G>A, p.Trp1636Ter (NM_015088.3); short protein forms W1636*, W1746*, W942*.
Identifiers: ClinVar variation 2576880 (VCV002576880.1), dbSNP rs2518055459, ClinGen allele CA411671948.